The following is an entry in ClinVar:

ClinVar aggregate classification (germline): Pathogenic (1 of 4 stars; one submission).

Conditions:
Colorectal cancer, hereditary nonpolyposis, type 7. Identifiers: Orphanet 144, MedGen C1858380, MONDO:0013725, OMIM 614385.

gnomAD v4.1: 3 of 1,613,980 alleles (0.00019%); highest among the groups gnomAD compares: Non-Finnish European, 0.00025%; no homozygotes.

Submission:

Myriad Genetics, Inc.
Classification: Pathogenic for Colorectal cancer, hereditary nonpolyposis, type 7. Last evaluated: 2026-06-16. Review status: criteria provided, single submitter. Criteria: Myriad Autosomal Dominant, Autosomal Recessive and X-Linked Classification Criteria (2023). Collection method: clinical testing. Allele origin: unknown.
Comment: This variant is considered pathogenic. This variant creates a termination codon and is predicted to result in premature protein truncation.

NM_001040108.2(MLH3):c.239C>A (p.Ser80Ter)

Gene: MLH3 (mutL homolog 3; minus strand). Cytogenetic location: 14q24.3.
Variant type: single nucleotide variant.
Coding change: c.239C>A on transcript NM_001040108.2 (MANE Select); coding-DNA position 239, C replaced by A.
Protein change: p.Ser80Ter; replaces serine 80 with a stop codon.
Molecular consequence: nonsense.
Genome position (GRCh38, 1-based): chr14:75,049,417, G>T on the plus strand (C>A on the coding strand, the complement: MLH3 is on the minus strand). VCF-style: chr14-75049417-G-T. GRCh37 (hg19) VCF-style: chr14-75516120-G-T.
Other names: c.239C>A, p.Ser80Ter (NM_014381.3); short protein forms S80*.
Identifiers: ClinVar variation 4876093 (VCV004876093.1).
Genomic context (GRCh38, chr14:75,049,417, plus strand): 5'-ATATTTGCCAAGGCCTCTCCTCGGAAACCATAAAACCTTGGATTCTCCAAGTCCTGTACC[G>T]AGTGGCATTTACTGGTGAAATAACGATTTCCCACTTTCTCTACATCATCACTCCCCATCC-3'